The following is an entry in ClinVar:

NM_001385012.1(NBEA):c.6256T>G (p.Phe2086Val)

Gene: NBEA (neurobeachin; plus strand). Cytogenetic location: 13q13.3.
Variant type: single nucleotide variant.
Coding change: c.6256T>G on transcript NM_001385012.1 (MANE Select); coding-DNA position 6256, T replaced by G.
Protein change: p.Phe2086Val; replaces phenylalanine 2086 with valine.
Molecular consequence: missense variant.
Genome position (GRCh38, 1-based): chr13:35,432,345, T>G. VCF-style: chr13-35432345-T-G. GRCh37 (hg19) VCF-style: chr13-36006482-T-G.
Other names: p.Phe2086Val; c.6247T>G, p.Phe2083Val (NM_001379245.1); c.6256T>G, p.Phe2086Val (NM_015678.5); short protein forms F2083V, F2086V.
Identifiers: ClinVar variation 4541775 (VCV004541775.1).

ClinVar aggregate classification (germline): Uncertain significance (1 of 4 stars; one submission).

Submission:

Mayo Clinic Laboratories, Mayo Clinic
Classification: Uncertain significance. Last evaluated: 2025-01-30. Review status: criteria provided, single submitter. Criteria: ACMG Guidelines, 2015. Collection method: clinical testing. Allele origin: germline. Observed: 1 variant allele.
Comment: BP4_moderate, PP2, PM1_supporting, PM2_supporting